The following is an entry in ClinVar:

NM_000051.4(ATM):c.2908_2909del (p.Leu970fs)

Gene: ATM (ATM serine/threonine kinase; plus strand). Cytogenetic location: 11q22.3.
Variant type: Deletion.
Coding change: c.2908_2909del on transcript NM_000051.4 (MANE Select); coding-DNA positions 2908 to 2909, 2 bases deleted (CT; older notation c.2908_2909delCT).
Protein change: p.Leu970fs; shifts the reading frame from leucine 970.
Molecular consequence: frameshift variant.
Genome position (GRCh38, 1-based): chr11:108,271,133-108,271,134, CT deleted; deleting any 2 consecutive bases within chr11:108,271,132-108,271,134 gives the same sequence; the c. name uses the placement nearest the transcript's 3' end. VCF-style (leftmost placement, unchanged base first): chr11-108271131-TTC-T. GRCh37 (hg19) VCF-style: chr11-108141858-TTC-T.
Other names: c.2908_2909del, p.Leu970fs (NM_001351834.2); short protein forms L970fs.
Identifiers: ClinVar variation 3800989 (VCV003800989.1).

ClinVar aggregate classification (germline): Pathogenic (1 of 4 stars; one submission).

Conditions:
Hereditary cancer-predisposing syndrome. Also called: Neoplastic Syndromes, Hereditary; Hereditary Cancer Syndrome; Tumor predisposition; Hereditary neoplastic syndrome. Identifiers: Orphanet 140162, MedGen C0027672, MeSH D009386, MONDO:0015356.

Submission:

Ambry Genetics
Classification: Pathogenic for Hereditary cancer-predisposing syndrome. Last evaluated: 2024-12-12. Review status: criteria provided, single submitter. Criteria: Ambry Variant Classification Scheme 2023. Collection method: clinical testing. Allele origin: germline.
Comment: The c.2908_2909delCT pathogenic mutation, located in coding exon 18 of the ATM gene, results from a deletion of two nucleotides at nucleotide positions 2908 to 2909, causing a translational frameshift with a predicted alternate stop codon (p.L970Efs*13). This variant is considered to be rare based on population cohorts in the Genome Aggregation Database (gnomAD). This alteration is expected to result in loss of function by premature protein truncation or nonsense-mediated mRNA decay. As such, this alteration is interpreted as a disease-causing mutation.